The following is an entry in ClinVar:

NM_001267550.2(TTN):c.98099-3C>A

Genes: TTN (titin; minus strand), TTN-AS1 (TTN antisense RNA 1; plus strand). Cytogenetic location: 2q31.2.
Variant type: single nucleotide variant.
Coding change: c.98099-3C>A on transcript NM_001267550.2 (MANE Select); 3 bases into the intron before coding-DNA position 98099, C replaced by A.
Molecular consequence: intron variant.
Genome position (GRCh38, 1-based): chr2:178,539,969, G>T on the plus strand (C>A on the coding strand, the complement: TTN is on the minus strand). VCF-style: chr2-178539969-G-T. GRCh37 (hg19) VCF-style: chr2-179404696-G-T.
Other names: c.70904-3C>A (NM_003319.4); c.71480-3C>A (NM_133437.4); c.71279-3C>A (NM_133432.3); c.90395-3C>A (NM_133378.4); c.93176-3C>A (NM_001256850.1).
Identifiers: ClinVar variation 202427 (VCV000202427.4), dbSNP rs794729304, ClinGen allele CA309374.

ClinVar aggregate classification (germline): Uncertain significance (1 of 4 stars; one submission).

Submission:

GeneDx
Classification: Uncertain significance. Last evaluated: 2014-04-30. Review status: criteria provided, single submitter. Criteria: GeneDx Variant Classification (06012015). Collection method: clinical testing. Allele origin: germline. Affected: yes.
Comment: c.93176-3 C>A: IVS301-3 C>A in intron 301 of the TTN gene (NM_001256850.1). The c.93176-3 C>A variant in the TTN gene has not been reported as a disease-causing mutation and was not observed in approximately 5900 individuals of European and African American ancestry in the NHLBI Exome Sequencing Project, indicating it is not a common benign variant in these populations. Several in silico algorithms are inconsistent in their predictions as to whether this variant destroys the splice acceptor site in intron 301, resulting in abnormal gene splicing which may lead to either an abnormal message that is subject to nonsense-mediated mRNA decay or to an abnormal protein product if the message is used for protein translation. However, c.93176-3 C>A is located in the A-band region of titin, where the majority of truncating mutations associated with DCM have been reported (Herman D et al., 2012).Therefore, based on the currently available information, it is unclear whether this variant is a pathogenic mutation or a rare benign variant. The variant is found in CARDIOMYOPATHY panel(s).